The following is an entry in ClinVar:

NM_001065.4(TNFRSF1A):c.1097T>A (p.Val366Glu)

Gene: TNFRSF1A (TNF receptor superfamily member 1A; minus strand). Cytogenetic location: 12p13.31.
Variant type: single nucleotide variant.
Coding change: c.1097T>A on transcript NM_001065.4 (MANE Select); coding-DNA position 1097, T replaced by A.
Protein change: p.Val366Glu; replaces valine 366 with glutamic acid.
Molecular consequence: missense variant. On other transcripts: non-coding transcript variant (1).
Genome position (GRCh38, 1-based): chr12:6,329,583, A>T on the plus strand (T>A on the coding strand, the complement: TNFRSF1A is on the minus strand). VCF-style: chr12-6329583-A-T. GRCh37 (hg19) VCF-style: chr12-6438749-A-T.
Other names: c.773T>A, p.Val258Glu (NM_001346091.2); c.638T>A, p.Val213Glu (NM_001346092.2); short protein forms V258E, V213E, V366E.
Identifiers: ClinVar variation 2837512 (VCV002837512.3), dbSNP rs2497785634, ClinGen allele CA383545467.

ClinVar aggregate classification (germline): Uncertain significance (1 of 4 stars; one submission).

Conditions:
TNF receptor-associated periodic fever syndrome (TRAPS) (FPF). Also called: FAMILIAL HIBERNIAN FEVER; TNF RECEPTOR-ASSOCIATED PERIODIC SYNDROME; TUMOR NECROSIS FACTOR RECEPTOR-ASSOCIATED PERIODIC SYNDROME; Autosomal Dominant Familial Periodic Fever; TNF Receptor-Associated Periodic Fever Syndrome; TNF receptor 1-associated periodic fever syndrome. Identifiers: Orphanet 32960, MedGen C1275126, MONDO:0007727, OMIM 142680.

Submission:

Labcorp Genetics (formerly Invitae), Labcorp
Classification: Uncertain significance for TNF receptor-associated periodic fever syndrome (TRAPS). Last evaluated: 2023-02-14. Review status: criteria provided, single submitter. Criteria: Invitae Variant Classification Sherloc (09022015). Collection method: clinical testing. Allele origin: germline.
Comment: This sequence change replaces valine, which is neutral and non-polar, with glutamic acid, which is acidic and polar, at codon 366 of the TNFRSF1A protein (p.Val366Glu). This variant is not present in population databases (gnomAD no frequency). This variant has not been reported in the literature in individuals affected with TNFRSF1A-related conditions. Advanced modeling of protein sequence and biophysical properties (such as structural, functional, and spatial information, amino acid conservation, physicochemical variation, residue mobility, and thermodynamic stability) has been performed at Invitae for this missense variant, however the output from this modeling did not meet the statistical confidence thresholds required to predict the impact of this variant on TNFRSF1A protein function. In summary, the available evidence is currently insufficient to determine the role of this variant in disease. Therefore, it has been classified as a Variant of Uncertain Significance.